The following is an entry in ClinVar:

NM_007192.4(SUPT16H):c.1156C>A (p.Leu386Met)

Gene: SUPT16H (SPT16 homolog, facilitates chromatin remodeling subunit; minus strand). Cytogenetic location: 14q11.2.
Variant type: single nucleotide variant.
Coding change: c.1156C>A on transcript NM_007192.4 (MANE Select); coding-DNA position 1156, C replaced by A.
Protein change: p.Leu386Met; replaces leucine 386 with methionine.
Molecular consequence: missense variant.
Genome position (GRCh38, 1-based): chr14:21,364,904, G>T on the plus strand (C>A on the coding strand, the complement: SUPT16H is on the minus strand). VCF-style: chr14-21364904-G-T. GRCh37 (hg19) VCF-style: chr14-21833063-G-T.
Other names: short protein forms L386M.
Identifiers: ClinVar variation 3363949 (VCV003363949.1).

ClinVar aggregate classification (germline): Uncertain significance (1 of 4 stars; one submission).

Submission:

GeneDx
Classification: Uncertain significance. Last evaluated: 2023-11-09. Review status: criteria provided, single submitter. Criteria: GeneDx Variant Classification Process June 2021. Collection method: clinical testing. Allele origin: germline. Affected: yes.
Comment: Not observed at significant frequency in large population cohorts (gnomAD); In silico analysis supports that this missense variant does not alter protein structure/function; Has not been previously published as pathogenic or benign to our knowledge